The following is an entry in ClinVar:

NM_003001.5(SDHC):c.505_507delinsTTT (p.Met169Phe)

Gene: SDHC (succinate dehydrogenase complex subunit C; plus strand). Cytogenetic location: 1q23.3.
Variant type: Indel.
Coding change: c.505_507delinsTTT on transcript NM_003001.5 (MANE Select); coding-DNA positions 505 to 507, ATG replaced by TTT.
Protein change: p.Met169Phe; replaces methionine 169 with phenylalanine.
Molecular consequence: missense variant.
Genome position (GRCh38, 1-based): chr1:161,362,428-161,362,430, ATG replaced by TTT. VCF-style: chr1-161362428-ATG-TTT. GRCh37 (hg19) VCF-style: chr1-161332218-ATG-TTT.
Other names: c.341_343delATGinsTTT, p.His114_Val115delinsLeuLeu (NM_001035511.3); c.403_405delATGinsTTT, p.Met135Phe (NM_001035512.3); c.346_348delATGinsTTT, p.Met116Phe (NM_001035513.3); c.239_241delATGinsTTT, p.His80_Val81delinsLeuLeu (NM_001278172.3); c.625_627delATGinsTTT, p.Met209Phe (NM_001407115.1); c.448_450delATGinsTTT, p.Met150Phe (NM_001407116.1); c.442_444delATGinsTTT, p.Met148Phe (NM_001407117.1); c.397_399delATGinsTTT, p.Met133Phe (NM_001407118.1); and 3 more; short protein forms M116F, M169F, M135F, M209F, M148F, M150F, M133F, M132F.
Identifiers: ClinVar variation 646321 (VCV000646321.7), dbSNP rs1571899249, ClinGen allele CA915942780.

ClinVar aggregate classification (germline): Uncertain significance (1 of 4 stars; one submission).

Conditions:
Gastrointestinal stromal tumor. Also called: Gastrointestinal stromal tumor, somatic; Gastrointestinal stroma tumor. Identifiers: Orphanet 44890, MedGen C0238198, MeSH D046152, MONDO:0011719, OMIM 606764, HP:0100723.
Pheochromocytoma/paraganglioma syndrome 3. Also called: SDHC-Related Hereditary Paraganglioma-Pheochromocytoma Syndrome (Paragangliomas 3); SDHC-Related Hereditary Paraganglioma-Pheochromocytoma Syndrome; Paragangliomas 3; GLOMUS TUMORS, FAMILIAL, 3. Identifiers: Orphanet 29072, MedGen C1854336, MONDO:0011544, OMIM 605373.

Submission:

Labcorp Genetics (formerly Invitae), Labcorp
Classification: Uncertain significance for Pheochromocytoma/paraganglioma syndrome 3; Gastrointestinal stromal tumor. Last evaluated: 2018-07-29. Review status: criteria provided, single submitter. Criteria: Invitae Variant Classification Sherloc (09022015). Collection method: clinical testing. Allele origin: germline.
Comment: In summary, the available evidence is currently insufficient to determine the role of this variant in disease. Therefore, it has been classified as a Variant of Uncertain Significance. Algorithms developed to predict the effect of missense changes on protein structure and function (SIFT, PolyPhen-2, Align-GVGD) all suggest that this variant is likely to be tolerated, but these predictions have not been confirmed by published functional studies and their clinical significance is uncertain. This variant has not been reported in the literature in individuals with SDHC-related disease. This variant is not present in population databases (ExAC no frequency). This sequence change replaces methionine with phenylalanine at codon 169 of the SDHC protein (p.Met169Phe). The methionine residue is weakly conserved and there is a small physicochemical difference between methionine and phenylalanine.